The following is an entry in ClinVar:

ClinVar aggregate classification (germline): Likely pathogenic. Review status: criteria provided, multiple submitters, no conflicts (2 of 4 stars). 2 submissions from 2 submitters: Likely pathogenic (2). Last evaluated 2024-12-05.

Submissions (2):

Dasa
Classification: Likely pathogenic. Last evaluated: 2024-12-05. Review status: criteria provided, single submitter. Criteria: DASA Assertion Criteria. Collection method: clinical testing. Allele origin: germline.
Comment: NM_001355436.2(SPTB):c.4624C>T (p.Gln1542*) is a nonsense variant in SPTB predicted to introduce a premature termination codon and is predicted to result in an absent or altered protein product. Loss of function is an established disease mechanism for SPTB-associated disorders. Also, this variant is absent from population databases. Based on the currently available evidence, this variant is classified as likely pathogenic.

Revvity Omics, Revvity
Classification: Likely pathogenic. Last evaluated: 2022-10-18. Review status: criteria provided, single submitter. Criteria: ACMG Guidelines, 2015. Collection method: clinical testing. Allele origin: germline.

NM_001355436.2(SPTB):c.4624C>T (p.Gln1542Ter)

Gene: SPTB (spectrin beta, erythrocytic; minus strand). Cytogenetic location: 14q23.3.
Variant type: single nucleotide variant.
Coding change: c.4624C>T on transcript NM_001355436.2 (MANE Select); coding-DNA position 4624, C replaced by T.
Protein change: p.Gln1542Ter; replaces glutamine 1542 with a stop codon.
Molecular consequence: nonsense.
Genome position (GRCh38, 1-based): chr14:64,775,343, G>A on the plus strand (C>T on the coding strand, the complement: SPTB is on the minus strand). VCF-style: chr14-64775343-G-A. GRCh37 (hg19) VCF-style: chr14-65242061-G-A.
Other names: c.4624C>T, p.Gln1542Ter (NM_001024858.4, NM_001355437.2); short protein forms Q1542*.
Identifiers: ClinVar variation 2433846 (VCV002433846.5), dbSNP rs2503071579, ClinGen allele CA390043850.